The following is an entry in ClinVar:

ClinVar aggregate classification (germline): Uncertain significance (1 of 4 stars; one submission).

Allele frequency attached by ClinVar (database versions not stated): TOPMed below 0.00001; gnomAD 0.00001.
gnomAD v4.1: 1 of 1,614,074 alleles (0.000062%); highest among the groups gnomAD compares: African/African-American, 0.0013%; no homozygotes.

Submission:

Ambry Genetics
Classification: Uncertain significance. Last evaluated: 2021-12-10. Review status: criteria provided, single submitter. Criteria: Ambry Variant Classification Scheme 2023. Collection method: clinical testing. Allele origin: germline.
Comment: The p.D821H variant (also known as c.2461G>C), located in coding exon 13 of the NPAT gene, results from a G to C substitution at nucleotide position 2461. The aspartic acid at codon 821 is replaced by histidine, an amino acid with similar properties. This amino acid position is conserved. In addition, this alteration is predicted to be tolerated by in silico analysis. Since supporting evidence is limited at this time, the clinical significance of this alteration remains unclear.

NM_002519.3(NPAT):c.2461G>C (p.Asp821His)

Gene: NPAT (nuclear protein, coactivator of histone transcription; minus strand). Cytogenetic location: 11q22.3.
Variant type: single nucleotide variant.
Coding change: c.2461G>C on transcript NM_002519.3 (MANE Select); coding-DNA position 2461, G replaced by C.
Protein change: p.Asp821His; replaces aspartic acid 821 with histidine.
Molecular consequence: missense variant.
Genome position (GRCh38, 1-based): chr11:108,172,523, C>G on the plus strand (G>C on the coding strand, the complement: NPAT is on the minus strand). VCF-style: chr11-108172523-C-G. GRCh37 (hg19) VCF-style: chr11-108043250-C-G.
Other names: c.2461G>C, p.Asp821His (NM_001321307.1); short protein forms D821H.
Identifiers: ClinVar variation 1791643 (VCV001791643.2), dbSNP rs2077961896, ClinGen allele CA382512931.